The following is an entry in ClinVar:

ClinVar aggregate classification (germline): Uncertain significance (1 of 4 stars; one submission).

Allele frequency attached by ClinVar (database versions not stated): gnomAD exomes below 0.00001 and 0.00002; ExAC 0.00001; gnomAD 0.00001; TOPMed 0.00001.
gnomAD v4.1: 27 of 1,613,846 alleles (0.0017%); highest among the groups gnomAD compares: Non-Finnish European, 0.0022%; no homozygotes.

Submission:

Labcorp Genetics (formerly Invitae), Labcorp
Classification: Uncertain significance. Last evaluated: 2022-02-05. Review status: criteria provided, single submitter. Criteria: Invitae Variant Classification Sherloc (09022015). Collection method: clinical testing. Allele origin: germline.
Comment: This variant is present in population databases (rs747896981, gnomAD 0.0009%). This variant has not been reported in the literature in individuals affected with SAMD9-related conditions. ClinVar contains an entry for this variant (Variation ID: 1042264). Algorithms developed to predict the effect of missense changes on protein structure and function are either unavailable or do not agree on the potential impact of this missense change (SIFT: "Deleterious"; PolyPhen-2: "Benign"; Align-GVGD: "Class C0"). Algorithms developed to predict the effect of sequence changes on RNA splicing suggest that this variant may create or strengthen a splice site. In summary, the available evidence is currently insufficient to determine the role of this variant in disease. Therefore, it has been classified as a Variant of Uncertain Significance. This sequence change replaces phenylalanine, which is neutral and non-polar, with leucine, which is neutral and non-polar, at codon 342 of the SAMD9 protein (p.Phe342Leu).

NM_017654.4(SAMD9):c.1026T>A (p.Phe342Leu)

Gene: SAMD9 (sterile alpha motif domain containing 9; minus strand). Cytogenetic location: 7q21.2.
Variant type: single nucleotide variant.
Coding change: c.1026T>A on transcript NM_017654.4 (MANE Select); coding-DNA position 1026, T replaced by A.
Protein change: p.Phe342Leu; replaces phenylalanine 342 with leucine.
Molecular consequence: missense variant.
Genome position (GRCh38, 1-based): chr7:93,105,072, A>T on the plus strand (T>A on the coding strand, the complement: SAMD9 is on the minus strand). VCF-style: chr7-93105072-A-T. GRCh37 (hg19) VCF-style: chr7-92734385-A-T.
Other names: c.1026T>A, p.Phe342Leu (NM_001193307.2); short protein forms F342L.
Identifiers: ClinVar variation 1042264 (VCV001042264.8), dbSNP rs747896981, ClinGen allele CA4343040.